The following is an entry in ClinVar:

ClinVar aggregate classification (germline): Uncertain significance (1 of 4 stars; one submission).

Conditions:
Supravalvar aortic stenosis (SVAS). Also called: Supravalvar aortic stenosis, Eisenberg type. Identifiers: Orphanet 3193, MedGen C0003499, MONDO:0008504, OMIM 185500, HP:0004381.

gnomAD v4.1: 3 of 1,574,284 alleles (0.00019%); highest among the groups gnomAD compares: African/African-American, 0.0027%; no homozygotes.

Submission:

Labcorp Genetics (formerly Invitae), Labcorp
Classification: Uncertain significance for Supravalvar aortic stenosis. Last evaluated: 2024-08-05. Review status: criteria provided, single submitter. Criteria: Invitae Variant Classification Sherloc (09022015). Collection method: clinical testing. Allele origin: germline.
Comment: This sequence change replaces valine, which is neutral and non-polar, with leucine, which is neutral and non-polar, at codon 514 of the ELN protein (p.Val514Leu). This variant is present in population databases (rs553532974, gnomAD 0.01%). This variant has not been reported in the literature in individuals affected with ELN-related conditions. Advanced modeling of protein sequence and biophysical properties (such as structural, functional, and spatial information, amino acid conservation, physicochemical variation, residue mobility, and thermodynamic stability) performed at Invitae indicates that this missense variant is not expected to disrupt ELN protein function with a negative predictive value of 80%. In summary, the available evidence is currently insufficient to determine the role of this variant in disease. Therefore, it has been classified as a Variant of Uncertain Significance.

NM_000501.4(ELN):c.1453G>T (p.Val485Leu)

Genes: ELN (elastin; plus strand), ELN-AS1 (ELN antisense RNA 1; minus strand). Cytogenetic location: 7q11.23.
Variant type: single nucleotide variant.
Coding change: c.1453G>T on transcript NM_000501.4 (MANE Select); coding-DNA position 1453, G replaced by T.
Protein change: p.Val485Leu; replaces valine 485 with leucine.
Molecular consequence: missense variant. On other transcripts: non-coding transcript variant (1).
Genome position (GRCh38, 1-based): chr7:74,059,924, G>T. VCF-style: chr7-74059924-G-T. GRCh37 (hg19) VCF-style: chr7-73474254-G-T.
Other names: c.1366G>T, p.Val456Leu (NM_001081752.3); c.1411G>T, p.Val471Leu (NM_001081753.3); c.1468G>T, p.Val490Leu (NM_001081754.3); c.1396G>T, p.Val466Leu (NM_001081755.3); c.1453G>T, p.Val485Leu (NM_001278912.2); c.1210G>T, p.Val404Leu (NM_001278913.2); c.1381G>T, p.Val461Leu (NM_001278914.2); c.1471G>T, p.Val491Leu (NM_001278915.2); and 4 more; short protein forms V475L, V490L, V396L, V452L, V404L, V456L, V485L, V461L.
Identifiers: ClinVar variation 3693807 (VCV003693807.2).